The following is an entry in ClinVar:

ClinVar aggregate classification (germline): Pathogenic/Likely pathogenic. Review status: criteria provided, multiple submitters, no conflicts (2 of 4 stars). 12 submissions from 12 submitters: Pathogenic (3); Likely pathogenic (5). 4 of the submissions do not count toward it. Last evaluated 2026-08-19.

Conditions:
GDAP1-related disorder. Also called: GDAP1-related condition; GDAP1-related disorders.
Inborn genetic diseases. Identifiers: MedGen C0950123, MeSH D030342.
Charcot-Marie-Tooth disease. Also called: Charcot-Marie-Tooth Hereditary Neuropathy; Charcot-Marie-Tooth Neuropathy. Identifiers: Orphanet 166, MedGen C0007959, MONDO:0015626.
Charcot-Marie-Tooth disease axonal type 2K (CMT2K). Also called: CHARCOT-MARIE-TOOTH DISEASE, AXONAL, AUTOSOMAL RECESSIVE, TYPE 2K; CHARCOT-MARIE-TOOTH NEUROPATHY, AXONAL, TYPE 2K; Charcot-Marie-Tooth disease type 2K. Identifiers: Orphanet 101097, Orphanet 99944, MedGen C1842983, MONDO:0011916, OMIM 607831.
Charcot-Marie-Tooth disease type 4A. Also called: Charcot-Marie-Tooth disease, demyelinating, autosomal recessive, type 4a. Identifiers: Orphanet 99948, MedGen C1859198, MONDO:0008961, OMIM 214400.
Charcot-Marie-Tooth disease, axonal, with vocal cord paresis, autosomal recessive. Also called: CHARCOT-MARIE-TOOTH DISEASE, TYPE 4A, AXONAL FORM; CHARCOT-MARIE-TOOTH NEUROPATHY, AXONAL, WITH VOCAL CORD PARESIS, AUTOSOMAL RECESSIVE; CMT2 WITH VOCAL CORD PARESIS, AUTOSOMAL RECESSIVE. Identifiers: Orphanet 101097, MedGen C1843183, MONDO:0011898, OMIM 607706.
Charcot-Marie-Tooth disease recessive intermediate A (CMTRIA). Also called: CHARCOT-MARIE-TOOTH NEUROPATHY, RECESSIVE INTERMEDIATE A. Identifiers: Orphanet 217055, MedGen C1842197, MONDO:0012014, OMIM 608340.

Allele frequency attached by ClinVar (database versions not stated): gnomAD exomes 0.00001 and 0.00002; ExAC 0.00002; gnomAD 0.00015 and 0.00017; TOPMed 0.00028; 1000 Genomes Project 30x 0.00062; 1000 Genomes Project 0.00080.
gnomAD v4.1: 41 of 1,312,330 alleles (0.0031%); highest among the groups gnomAD compares: Admixed American, 0.057%; no homozygotes.

Submissions (12):

PreventionGenetics, part of Exact Sciences
Classification: Likely pathogenic for GDAP1-related condition. Last evaluated: 2026-08-19. Review status: criteria provided, single submitter. Criteria: ACMG Guidelines, 2015. Collection method: clinical testing. Allele origin: germline.
Comment: The GDAP1 c.692C>T variant is predicted to result in the amino acid substitution p.Pro231Leu. This variant has been reported in the homozygous state in individuals with autosomal recessive Charcot-Marie-Tooth disease (Xin et al. 2008. PubMed ID: 18492089; Ortiz-Santiago et al. 2021. PubMed ID: 34057104). This variant is reported in 0.017% of alleles in individuals of Latino descent in gnomAD. This variant is interpreted as likely pathogenic for autosomal recessive GDAP1-related disorders.

Labcorp Genetics (formerly Invitae), Labcorp
Classification: Pathogenic for Charcot-Marie-Tooth disease type 4A. Last evaluated: 2025-09-18. Review status: criteria provided, single submitter. Criteria: Invitae Variant Classification Sherloc (09022015). Collection method: clinical testing. Allele origin: germline.
Comment: This sequence change replaces proline, which is neutral and non-polar, with leucine, which is neutral and non-polar, at codon 231 of the GDAP1 protein (p.Pro231Leu). This variant is present in population databases (rs121908114, gnomAD 0.02%). This missense change has been observed in individuals with autosomal recessive Charcot-Marie-Tooth disease (PMID: 18492089; internal data). It has also been observed to segregate with disease in related individuals. ClinVar contains an entry for this variant (Variation ID: 4202). An algorithm developed to predict the effect of missense changes on protein structure and function (PolyPhen-2) suggests that this variant is likely to be disruptive. For these reasons, this variant has been classified as Pathogenic.

GeneDx
Classification: Likely pathogenic. Last evaluated: 2025-09-17. Review status: criteria provided, single submitter. Criteria: GeneDx Variant Classification Process June 2021. Collection method: clinical testing. Allele origin: germline. Affected: yes.
Comment: In silico analysis suggests that this missense variant does not alter protein structure/function; This variant is associated with the following publications: (PMID: 18492089, 21212451, 20849849, 34057104, 37966693, 39399040, 20685671, 23628762)

Variantyx, Inc.
Classification: Likely pathogenic for Charcot-Marie-Tooth disease type 4A. Last evaluated: 2025-08-27. Review status: criteria provided, single submitter. Criteria: Variantyx Assertion Criteria 2022. Collection method: clinical testing. Allele origin: germline. Inheritance: Autosomal recessive inheritance. Affected: no.
Comment: This is a nonsynonymous variant in the GDAP1 gene (OMIM: 606598). Pathogenic variants in this gene have been associated with autosomal recessive GDAP1-related disorders. This variant lies within a known hotspot for pathogenic variants or a well-established critical functional domain of the GDAP1 protein (PMID: 35509130) (PM1). Multiple computational algorithms predict a deleterious effect for this variant (REVEL score: 0.704) (PP3). This variant has been reported in the homozygous or compound heterozygous state in at least two unrelated, affected individuals (PMID: 34057104, 18492089) (PM3) and has a 0.0571% maximum allele frequency in non-founder control populations (PM2). Based on the current evidence, this variant is classified as likely pathogenic autosomal recessive GDAP1-related disorders.

Women's Health and Genetics/Laboratory Corporation of America, LabCorp
Classification: Pathogenic for Charcot-Marie-Tooth disease axonal type 2K. Last evaluated: 2025-01-27. Review status: criteria provided, single submitter. Criteria: LabCorp Variant Classification Summary - May 2015. Collection method: clinical testing. Allele origin: germline.
Comment: Variant summary: GDAP1 c.692C>T (p.Pro231Leu) results in a non-conservative amino acid change in the encoded protein sequence. Five of five in-silico tools predict a damaging effect of the variant on protein function. Consensus agreement among computation tools predict no significant impact on normal splicing. However, these predictions have yet to be confirmed by functional studies. The variant allele was found at a frequency of 1.6e-05 in 250094 control chromosomes (gnomAD). c.692C>T has been reported in the literature in multiple individuals affected with Charcot-Marie-Tooth disease and this variant co-segregated with the disease (Xin_2008). These data indicate that the variant is very likely to be associated with disease. To our knowledge, no experimental evidence demonstrating an impact on protein function has been reported. The following publication have been ascertained in the context of this evaluation (PMID: 18492089). ClinVar contains an entry for this variant (Variation ID: 4202). Based on the evidence outlined above, the variant was classified as pathogenic.

Fulgent Genetics
Classification: Likely pathogenic for Charcot-Marie-Tooth disease type 4A; Charcot-Marie-Tooth disease, axonal, with vocal cord paresis, autosomal recessive; Charcot-Marie-Tooth disease axonal type 2K; Charcot-Marie-Tooth disease recessive intermediate A. Last evaluated: 2024-05-20. Review status: criteria provided, single submitter. Criteria: ACMG Guidelines, 2015. Collection method: clinical testing. Allele origin: germline.

Ambry Genetics
Classification: Likely pathogenic for Inborn genetic diseases. Last evaluated: 2024-01-05. Review status: criteria provided, single submitter. Criteria: Ambry Variant Classification Scheme 2023. Collection method: clinical testing. Allele origin: germline.
Comment: The c.692C>T (p.P231L) alteration is located in exon 5 (coding exon 5) of the GDAP1 gene. This alteration results from a C to T substitution at nucleotide position 692, causing the proline (P) at amino acid position 231 to be replaced by a leucine (L)._x000D_ _x000D_ _x000D_ _x000D_ for autosomal recessive GDAP1-related Charcot-Marie-Tooth disease; however, it is unlikely to be causative of autosomal dominant GDAP1-related Charcot-Marie-Tooth disease, type 2. Based on data from gnomAD, the T allele has an overall frequency of 0.002% (6/281404) total alleles studied. The highest observed frequency was 0.017% (6/35350) of Latino alleles. The p.P231L alteration was reported as homozygous in multiple individuals with clinical features consistent with GDAP1-related Charcot-Marie-Tooth disease (Xin, 2008; Ortiz-Santiago, 2021; Ambry internal data). This amino acid position is well conserved in available vertebrate species. This alteration is predicted to be deleterious by in silico analysis. Based on the available evidence, this alteration is classified as likely pathogenic.

Athena Diagnostics
Classification: Pathogenic. Last evaluated: 2022-07-19. Review status: criteria provided, single submitter. Criteria: Athena Diagnostics Criteria. Collection method: clinical testing. Allele origin: unknown.
Comment: The frequency of this variant in the general population is consistent with pathogenicity. This variant segregates with disease in at least one family. In multiple individuals, this variant has been seen with a single recessive pathogenic variant in the same gene, suggesting this variant may also be pathogenic. Computational tools predict that this variant is damaging.

Genesis Genome Database
Classification: Uncertain significance for Charcot-Marie-Tooth disease. Last evaluated: 2019-08-14. Review status: no assertion criteria provided. Collection method: research. Allele origin: germline. Affected: yes. Not counted in ClinVar's aggregate classification.

Inherited Neuropathy Consortium Ii, University Of Miami
Classification: Uncertain significance for Charcot-Marie-Tooth disease axonal type 2K. Last evaluated: 2016-01-06. Review status: no assertion criteria provided. Collection method: literature only. Allele origin: germline. Affected: yes. Not counted in ClinVar's aggregate classification.

OMIM
Classification: Pathogenic for CHARCOT-MARIE-TOOTH DISEASE, AXONAL, AUTOSOMAL RECESSIVE, TYPE 2K. Last evaluated: 2008-09-01. Review status: no assertion criteria provided. Collection method: literature only. Allele origin: germline. Not counted in ClinVar's aggregate classification.

Inherited Neuropathy Consortium
Classification: Likely pathogenic for Charcot-Marie-Tooth disease. Review status: no assertion criteria provided. Collection method: research. Allele origin: inherited. Affected: yes. Not counted in ClinVar's aggregate classification.

Literature cited by the submitters: PubMed 18492089 (cited by 7 submitters); PubMed 35509130 (cited by Variantyx, Inc.); PubMed 34057104 (cited by Variantyx, Inc. and Ambry Genetics); PubMed 20849849 (cited by Athena Diagnostics).

NM_018972.4(GDAP1):c.692C>T (p.Pro231Leu)

Gene: GDAP1 (ganglioside induced differentiation associated protein 1; plus strand). Cytogenetic location: 8q21.11.
Variant type: single nucleotide variant.
Coding change: c.692C>T on transcript NM_018972.4 (MANE Select); coding-DNA position 692, C replaced by T.
Protein change: p.Pro231Leu; replaces proline 231 with leucine.
Molecular consequence: missense variant.
Genome position (GRCh38, 1-based): chr8:74,363,051, C>T. VCF-style: chr8-74363051-C-T. GRCh37 (hg19) VCF-style: chr8-75275286-C-T.
Other names: c.488C>T, p.Pro163Leu (NM_001040875.4); c.365C>T, p.Pro122Leu (NM_001362929.2, NM_001362932.2); c.518C>T, p.Pro173Leu (NM_001362930.2); c.692C>T, p.Pro231Leu (NM_001362931.2); short protein forms P231L, P122L, P173L, P163L.
Identifiers: ClinVar variation 4202 (VCV000004202.30), dbSNP rs121908114, ClinGen allele CA253042.